The following is an entry in ClinVar:

NM_177438.3(DICER1):c.3842del (p.Pro1281fs)

Gene: DICER1 (dicer 1, ribonuclease III; minus strand). Cytogenetic location: 14q32.13.
Variant type: Deletion.
Coding change: c.3842del on transcript NM_177438.3 (MANE Select); coding-DNA position 3842, one base deleted (C; older notation c.3842delC).
Protein change: p.Pro1281fs; shifts the reading frame from proline 1281.
Molecular consequence: frameshift variant. On other transcripts: non-coding transcript variant (6).
Genome position (GRCh38, 1-based): chr14:95,103,554, G deleted on the plus strand (C on the coding strand, the reverse complement: DICER1 is on the minus strand); the first of 3 consecutive G bases (chr14:95,103,554-95,103,556); deleting any one gives the same sequence. VCF-style (leftmost placement, unchanged base first): chr14-95103553-AG-A. GRCh37 (hg19) VCF-style: chr14-95569890-AG-A.
Other names: c.3842del, p.Pro1281fs (NM_001195573.1, NM_001271282.3, NM_001291628.2 and 12 more transcripts); c.3840delC, p.Pro1281Leufs (NM_001395681.1); c.3560del, p.Pro1187fs (NM_001395686.1); c.3437del, p.Pro1146fs (NM_001395687.1, NM_001395688.1, NM_001395689.1 and 2 more transcripts); c.3275del, p.Pro1092fs (NM_001395691.1); c.2159del, p.Pro720fs (NM_001395697.1); short protein forms P1187fs, P1281fs, P1092fs, P1146fs, P720fs.
Identifiers: ClinVar variation 2018874 (VCV002018874.4), dbSNP rs2542693297, ClinGen allele CA2580089232.

ClinVar aggregate classification (germline): Pathogenic (1 of 4 stars; one submission).

Conditions:
DICER1-related tumor predisposition. Also called: DICER1 syndrome; DICER1-related pleuropulmonary blastoma cancer predisposition syndrome. Identifiers: Orphanet 284343, MedGen C3839822, MONDO:0100216.

Submission:

Labcorp Genetics (formerly Invitae), Labcorp
Classification: Pathogenic for DICER1-related tumor predisposition. Last evaluated: 2022-07-22. Review status: criteria provided, single submitter. Criteria: Invitae Variant Classification Sherloc (09022015). Collection method: clinical testing. Allele origin: germline.
Comment: For these reasons, this variant has been classified as Pathogenic. This variant has not been reported in the literature in individuals affected with DICER1-related conditions. This variant is not present in population databases (gnomAD no frequency). This sequence change creates a premature translational stop signal (p.Pro1281Leufs*21) in the DICER1 gene. It is expected to result in an absent or disrupted protein product. Loss-of-function variants in DICER1 are known to be pathogenic (PMID: 19556464, 21266384).

Literature cited by the submitters: PubMed 19556464; PubMed 21266384.